The following is an entry in ClinVar:

NM_021830.5(TWNK):c.1910G>A (p.Arg637Gln)

Gene: TWNK (twinkle mtDNA helicase; plus strand). Cytogenetic location: 10q24.31.
Variant type: single nucleotide variant.
Coding change: c.1910G>A on transcript NM_021830.5 (MANE Select); coding-DNA position 1910, G replaced by A.
Protein change: p.Arg637Gln; replaces arginine 637 with glutamine.
Molecular consequence: missense variant. On other transcripts: 3 prime UTR variant (2), non-coding transcript variant (5).
Genome position (GRCh38, 1-based): chr10:100,993,365, G>A. VCF-style: chr10-100993365-G-A. GRCh37 (hg19) VCF-style: chr10-102753122-G-A.
Other names: p.Arg637Gln; c.*205G>A (NM_001163812.2, NM_001163814.2); c.548G>A, p.Arg183Gln (NM_001163813.2, NM_001368275.1); short protein forms R637Q, R183Q.
Identifiers: ClinVar variation 1394354 (VCV001394354.9), dbSNP rs575489870, ClinGen allele CA5653363.

ClinVar aggregate classification (germline): Uncertain significance. Review status: criteria provided, multiple submitters, no conflicts (2 of 4 stars). 2 submissions from 2 submitters: Uncertain significance (2). Last evaluated 2025-07-11.

Allele frequency attached by ClinVar (database versions not stated): TOPMed below 0.00001; gnomAD 0.00001; gnomAD exomes 0.00001.

Submissions (2):

Mayo Clinic Laboratories, Mayo Clinic
Classification: Uncertain significance. Last evaluated: 2025-07-11. Review status: criteria provided, single submitter. Criteria: ACMG Guidelines, 2015. Collection method: clinical testing. Allele origin: germline. Observed: 1 variant allele.
Comment: PM2_supporting

Labcorp Genetics (formerly Invitae), Labcorp
Classification: Uncertain significance. Last evaluated: 2025-05-01. Review status: criteria provided, single submitter. Criteria: Invitae Variant Classification Sherloc (09022015). Collection method: clinical testing. Allele origin: germline.
Comment: This sequence change replaces arginine, which is basic and polar, with glutamine, which is neutral and polar, at codon 637 of the TWNK protein (p.Arg637Gln). This variant is present in population databases (rs575489870, gnomAD 0.006%). This variant has not been reported in the literature in individuals affected with TWNK-related conditions. ClinVar contains an entry for this variant (Variation ID: 1394354). Invitae Evidence Modeling of protein sequence and biophysical properties (such as structural, functional, and spatial information, amino acid conservation, physicochemical variation, residue mobility, and thermodynamic stability) has been performed for this missense variant. However, the output from this modeling did not meet the statistical confidence thresholds required to predict the impact of this variant on TWNK protein function. In summary, the available evidence is currently insufficient to determine the role of this variant in disease. Therefore, it has been classified as a Variant of Uncertain Significance.